The following is an entry in ClinVar:

NM_001365999.1(SZT2):c.5426A>G (p.Glu1809Gly)

Gene: SZT2 (SZT2 subunit of KICSTOR complex; plus strand). Cytogenetic location: 1p34.2.
Variant type: single nucleotide variant.
Coding change: c.5426A>G on transcript NM_001365999.1 (MANE Select); coding-DNA position 5426, A replaced by G.
Protein change: p.Glu1809Gly; replaces glutamic acid 1809 with glycine.
Molecular consequence: missense variant.
Genome position (GRCh38, 1-based): chr1:43,432,423, A>G. VCF-style: chr1-43432423-A-G. GRCh37 (hg19) VCF-style: chr1-43898094-A-G.
Other names: c.5255A>G, p.Glu1752Gly (NM_015284.4); short protein forms E1752G, E1809G.
Identifiers: ClinVar variation 1010581 (VCV001010581.6), dbSNP rs368450227, ClinGen allele CA340025184.

ClinVar aggregate classification (germline): Uncertain significance (1 of 4 stars; one submission).

gnomAD v4.1: 2 of 1,569,420 alleles (0.00013%); highest among the groups gnomAD compares: African/African-American, 0.0027%; no homozygotes.

Submission:

Labcorp Genetics (formerly Invitae), Labcorp
Classification: Uncertain significance. Last evaluated: 2018-05-02. Review status: criteria provided, single submitter. Criteria: Invitae Variant Classification Sherloc (09022015). Collection method: clinical testing. Allele origin: germline.
Comment: This sequence change replaces glutamic acid with glycine at codon 1752 of the SZT2 protein (p.Glu1752Gly). The glutamic acid residue is highly conserved and there is a moderate physicochemical difference between glutamic acid and glycine. This variant is not present in population databases (ExAC no frequency). This variant has not been reported in the literature in individuals with SZT2-related disease. Algorithms developed to predict the effect of missense changes on protein structure and function do not agree on the potential impact of this missense change (SIFT: "Deleterious"; PolyPhen-2: "Benign"; Align-GVGD: "Class C15"). In summary, the available evidence is currently insufficient to determine the role of this variant in disease. Therefore, it has been classified as a Variant of Uncertain Significance.